The following is an entry in ClinVar:

ClinVar aggregate classification (germline): Uncertain significance (1 of 4 stars; one submission).

Conditions:
Autosomal recessive limb-girdle muscular dystrophy type 2J (LGMDR10). Also called: Limb-girdle muscular dystrophy, type 2J; MUSCULAR DYSTROPHY, LIMB-GIRDLE, AUTOSOMAL RECESSIVE 10. Identifiers: Orphanet 140922, MedGen C1837342, MONDO:0012127, OMIM 608807.
Dilated cardiomyopathy 1G (CMD1G). Identifiers: Orphanet 154, MedGen C1858763, MONDO:0011400, OMIM 604145.

Allele frequency attached by ClinVar (database versions not stated): gnomAD exomes below 0.00001.
gnomAD v4.1: 2 of 1,571,712 alleles (0.00013%); highest among the groups gnomAD compares: Non-Finnish European, 0.00017%; no homozygotes.

Submission:

Labcorp Genetics (formerly Invitae), Labcorp
Classification: Uncertain significance for Dilated cardiomyopathy 1G; Autosomal recessive limb-girdle muscular dystrophy type 2J. Last evaluated: 2025-04-22. Review status: criteria provided, single submitter. Criteria: Invitae Variant Classification Sherloc (09022015). Collection method: clinical testing. Allele origin: germline.
Comment: This sequence change falls in intron 272 of the TTN gene. It does not directly change the encoded amino acid sequence of the TTN protein. It affects a nucleotide within the consensus splice site. This variant is not present in population databases (gnomAD no frequency). This variant has not been reported in the literature in individuals affected with TTN-related conditions. ClinVar contains an entry for this variant (Variation ID: 2172637). Variants that disrupt the consensus splice site are a relatively common cause of aberrant splicing (PMID: 17576681, 9536098). Algorithms developed to predict the effect of sequence changes on RNA splicing suggest that this variant is not likely to affect RNA splicing. This variant is located in the A band of TTN (PMID: 25589632). Variants in this region may be relevant for cardiac or neuromuscular disorders (PMID: 25589632, 23975875). In summary, the available evidence is currently insufficient to determine the role of this variant in disease. Therefore, it has been classified as a Variant of Uncertain Significance.

Literature cited by the submitters: PubMed 17576681; PubMed 9536098; PubMed 25589632; PubMed 23975875.

NM_001267550.2(TTN):c.51739+3A>G

Genes: TTN (titin; minus strand), TTN-AS1 (TTN antisense RNA 1; plus strand). Cytogenetic location: 2q31.2.
Variant type: single nucleotide variant.
Coding change: c.51739+3A>G on transcript NM_001267550.2 (MANE Select); 3 bases into the intron after coding-DNA position 51739, A replaced by G.
Molecular consequence: intron variant.
Genome position (GRCh38, 1-based): chr2:178,609,681, T>C on the plus strand (A>G on the coding strand, the complement: TTN is on the minus strand). VCF-style: chr2-178609681-T-C. GRCh37 (hg19) VCF-style: chr2-179474408-T-C.
Other names: c.24544+3A>G (NM_003319.4); c.25120+3A>G (NM_133437.4); c.24919+3A>G (NM_133432.3); c.44035+3A>G (NM_133378.4); c.46816+3A>G (NM_001256850.1).
Identifiers: ClinVar variation 2172637 (VCV002172637.2), dbSNP rs2470400680, ClinGen allele CA2580064987.